The following is an entry in ClinVar:

NM_005257.6(GATA6):c.1223A>G (p.His408Arg)

Gene: GATA6 (GATA binding protein 6; plus strand). Cytogenetic location: 18q11.2.
Variant type: single nucleotide variant.
Coding change: c.1223A>G on transcript NM_005257.6 (MANE Select); coding-DNA position 1223, A replaced by G.
Protein change: p.His408Arg; replaces histidine 408 with arginine.
Molecular consequence: missense variant.
Genome position (GRCh38, 1-based): chr18:22,177,042, A>G. VCF-style: chr18-22177042-A-G. GRCh37 (hg19) VCF-style: chr18-19757003-A-G.
Other names: short protein forms H408R.
Identifiers: ClinVar variation 540137 (VCV000540137.9), dbSNP rs1205923643, ClinGen allele CA401802075.
Genomic context (GRCh38, chr18:22,177,042, plus strand): 5'-GCGAGTGCGTGAACTGCGGCTCCATCCAGACGCCGCTGTGGCGGCGGGACGGCACCGGCC[A>G]CTACCTGTGCAACGCCTGCGGGCTCTACAGCAAGATGAACGGCCTCAGCCGGCCCCTCAT-3'
Protein context (NP_005248.2, residues 398-418): TPLWRRDGTG[His408Arg]YLCNACGLYS

ClinVar aggregate classification (germline): Uncertain significance. Review status: criteria provided, multiple submitters, no conflicts (2 of 4 stars). 2 submissions from 2 submitters: Uncertain significance (2). Last evaluated 2023-11-18.

Conditions:
Atrioventricular septal defect 5 (AVSD5). Identifiers: MedGen C3280939, MONDO:0013769, OMIM 614474.

Allele frequency attached by ClinVar (database versions not stated): gnomAD exomes below 0.00001 and 0.00001; TOPMed 0.00001; gnomAD 0.00002.
gnomAD v4.1: 7 of 1,577,806 alleles (0.00044%); highest among the groups gnomAD compares: Admixed American, 0.0054%; no homozygotes.

Submissions (2):

Labcorp Genetics (formerly Invitae), Labcorp
Classification: Uncertain significance for Atrioventricular septal defect 5. Last evaluated: 2023-11-18. Review status: criteria provided, single submitter. Criteria: Invitae Variant Classification Sherloc (09022015). Collection method: clinical testing. Allele origin: germline.
Comment: This sequence change replaces histidine, which is basic and polar, with arginine, which is basic and polar, at codon 408 of the GATA6 protein (p.His408Arg). This variant is present in population databases (no rsID available, gnomAD 0.004%). This variant has not been reported in the literature in individuals affected with GATA6-related conditions. ClinVar contains an entry for this variant (Variation ID: 540137). Advanced modeling of protein sequence and biophysical properties (such as structural, functional, and spatial information, amino acid conservation, physicochemical variation, residue mobility, and thermodynamic stability) performed at Invitae indicates that this missense variant is expected to disrupt GATA6 protein function with a positive predictive value of 80%. In summary, the available evidence is currently insufficient to determine the role of this variant in disease. Therefore, it has been classified as a Variant of Uncertain Significance.

Clinical Genomics Laboratory, Stanford Medicine
Classification: Uncertain significance. Last evaluated: 2023-08-16. Review status: criteria provided, single submitter. Criteria: ACMG Guidelines, 2015. Collection method: clinical testing. Allele origin: germline. Observed: 1 variant allele, 1 heterozygote.
Comment: The p.His408Arg variant in the GATA6 gene has not been previously reported in association with disease. This variant has been identified in 1/29,170 Latino/Admixed American chromosomes (1/186,356 chromosomes overall) by the Genome Aggregation Database. This variant is present in ClinVar (Accession: VCV000540137.8). The histidine at position 408 is moderately evolutionarily conserved. Computational tools predict that the p.His408Arg variant is deleterious; however, the accuracy of in silico algorithms is limited. These data were assessed using the ACMG/AMP variant interpretation guidelines. In summary, the significance of the p.His408Arg variant is uncertain. Additional information is needed to resolve the significance of this variant. [ACMG evidence codes used: PM2; PP3]